The following is an entry in ClinVar:

ClinVar aggregate classification (germline): Uncertain significance (1 of 4 stars; one submission).

Conditions:
Angelman syndrome-like. Identifiers: MedGen CN128785.
Developmental and epileptic encephalopathy, 2 (DEE2). Also called: CDKL5 deficiency disorder; INFANTILE SPASM SYNDROME, X-LINKED 2. Identifiers: Orphanet 1934, Orphanet 3451, Orphanet 505652, MedGen C4750718, MONDO:0010396, OMIM 300672.

Allele frequency attached by ClinVar (database versions not stated): ExAC 0.00002; gnomAD exomes 0.00001 and 0.00002; TOPMed 0.00001.
gnomAD v4.1: 11 of 1,211,722 alleles (0.00091%); highest among the groups gnomAD compares: Admixed American, 0.0043%; no homozygotes.

Submission:

Labcorp Genetics (formerly Invitae), Labcorp
Classification: Uncertain significance for Developmental and epileptic encephalopathy, 2; Angelman syndrome-like. Last evaluated: 2022-11-02. Review status: criteria provided, single submitter. Criteria: Invitae Variant Classification Sherloc (09022015). Collection method: clinical testing. Allele origin: germline.
Comment: In summary, the available evidence is currently insufficient to determine the role of this variant in disease. Therefore, it has been classified as a Variant of Uncertain Significance. Advanced modeling of protein sequence and biophysical properties (such as structural, functional, and spatial information, amino acid conservation, physicochemical variation, residue mobility, and thermodynamic stability) performed at Invitae indicates that this missense variant is not expected to disrupt CDKL5 protein function. ClinVar contains an entry for this variant (Variation ID: 1017245). This variant has not been reported in the literature in individuals affected with CDKL5-related conditions. The frequency data for this variant in the population databases is considered unreliable, as metrics indicate poor data quality at this position in the gnomAD database. This sequence change replaces alanine, which is neutral and non-polar, with valine, which is neutral and non-polar, at codon 1017 of the CDKL5 protein (p.Ala1017Val).

NC_000023.11:g.18653501C>T

Genes: CDKL5 (cyclin dependent kinase like 5; plus strand), RS1 (retinoschisin 1; minus strand). Cytogenetic location: Xp22.13.
Variant type: single nucleotide variant.
Molecular consequence: intron variant (on NM_000330.4). On other transcripts: missense variant (2).
Genome position: GRCh38 VCF-style: chrX-18653501-C-T. GRCh37 (hg19) VCF-style: chrX-18671621-C-T.
Other names: c.3050C>T, p.Ala1017Val (NM_001037343.2, NM_003159.3); c.184+3152G>A (NM_000330.4); short protein forms A1017V.
Identifiers: ClinVar variation 1017245 (VCV001017245.10), dbSNP rs745370971, ClinGen allele CA10360776.